The following is an entry in ClinVar:

Single allele

Variant type: Deletion.
Identifiers: ClinVar variation 157011 (VCV000157011.2).

ClinVar aggregate classification (germline): not provided (0 of 4 stars; one submission).

Conditions:
Normal pregnancy. Identifiers: MedGen C0232989.

Submission:

Institute of Molecular and Cell Biology, University of Tartu
No classification provided. Condition: Normal pregnancy. Review status: no classification provided. Collection method: case-control. Allele origin: unknown. Affected: yes. Study: Kasak2014.
Comment: The study aimed to determine the contribution of copy number variants in the genetic etiology of normal and complicated pregnancies. The samples represented (i) maternal blood DNA drawn from healthy pregnant women during 1st or 2nd trimester and (ii) maternal and paternal blood DNA drawn at term pregnancy cases representing normal and complicated gestations (severe preeclampsia, PE; gestational diabetes, GD; small-for-gestational age newborn, SGA; large-for-gestational age newborn, LGA). We performed CNV calling based on genome-wide genotyping dataset (Illumina HumanOmniExpress-24-v1 BeadChip) by applying three algorithms, QuantiSNP, GADA (Genome Alteration Detection Algorithm) and CNstream in parallel. The acquired CNV calls were merged with HD-CNV (Hotspot Detector for Copy Number Variants) program and only the CNVs predicted by at least two programs, were considered in subsequent analysis.

Literature cited by the submitters: PubMed 25666259.